The following is an entry in ClinVar:

NM_032977.4(CASP10):c.1409T>C (p.Val470Ala)

Gene: CASP10 (caspase 10; plus strand). Cytogenetic location: 2q33.1.
Variant type: single nucleotide variant.
Coding change: c.1409T>C on transcript NM_032977.4 (MANE Select); coding-DNA position 1409, T replaced by C.
Protein change: p.Val470Ala; replaces valine 470 with alanine.
Molecular consequence: missense variant. On other transcripts: 3 prime UTR variant (1).
Genome position (GRCh38, 1-based): chr2:201,209,556, T>C. VCF-style: chr2-201209556-T-C. GRCh37 (hg19) VCF-style: chr2-202074279-T-C.
Other names: c.1208T>C, p.Val403Ala (NM_001206524.2); c.1280T>C, p.Val427Ala (NM_001206542.2, NM_001230.5); c.1409T>C, p.Val470Ala (NM_032974.5); c.*495T>C (NM_032976.4); short protein forms V427A, V470A, V403A.
Identifiers: ClinVar variation 2952475 (VCV002952475.3), dbSNP rs2469448187, ClinGen allele CA350293391.

ClinVar aggregate classification (germline): Uncertain significance (1 of 4 stars; one submission).

Conditions:
Autoimmune lymphoproliferative syndrome type 2A (ALPS2A). Also called: AUTOIMMUNE LYMPHOPROLIFERATIVE SYNDROME, TYPE IIA; Autoimmune lymphoproliferative syndrome type 2; CASP10-Related Autoimmune Lymphoproliferative Syndrome. Identifiers: Orphanet 3261, MedGen C1858968, MONDO:0011383, OMIM 603909.

Submission:

Labcorp Genetics (formerly Invitae), Labcorp
Classification: Uncertain significance for Autoimmune lymphoproliferative syndrome type 2A. Last evaluated: 2023-10-04. Review status: criteria provided, single submitter. Criteria: Invitae Variant Classification Sherloc (09022015). Collection method: clinical testing. Allele origin: germline.
Comment: This sequence change replaces valine, which is neutral and non-polar, with alanine, which is neutral and non-polar, at codon 470 of the CASP10 protein (p.Val470Ala). This variant is not present in population databases (gnomAD no frequency). This variant has not been reported in the literature in individuals affected with CASP10-related conditions. Advanced modeling of protein sequence and biophysical properties (such as structural, functional, and spatial information, amino acid conservation, physicochemical variation, residue mobility, and thermodynamic stability) performed at Invitae indicates that this missense variant is not expected to disrupt CASP10 protein function. In summary, the available evidence is currently insufficient to determine the role of this variant in disease. Therefore, it has been classified as a Variant of Uncertain Significance.